The following is an entry in ClinVar:

NC_000017.10:g.(?_6609941)_(6616652_?)del

Gene: SLC13A5 (solute carrier family 13 member 5; minus strand). Cytogenetic location: 17p13.1.
Variant type: Deletion.
Identifiers: ClinVar variation 3243104 (VCV003243104.1).

ClinVar aggregate classification (germline): Pathogenic (1 of 4 stars; one submission).

Conditions:
Developmental and epileptic encephalopathy, 25 (DEE25). Also called: Epileptic encephalopathy, early infantile, 25; Developmental and epileptic encephalopathy 25, with amelogenesis imperfecta; Epileptic encephalopathy, early infantile, 25, with amelogenesis imperfecta. Identifiers: Orphanet 442835, MedGen C4014621, MONDO:0014392, OMIM 615905.

Submission:

Labcorp Genetics (formerly Invitae), Labcorp
Classification: Pathogenic for Developmental and epileptic encephalopathy, 25. Last evaluated: 2024-01-11. Review status: criteria provided, single submitter. Criteria: Invitae Variant Classification Sherloc (09022015). Collection method: clinical testing. Allele origin: unknown.
Comment: This variant is a gross deletion of the genomic region encompassing exon(s) 1-3 of the SLC13A5 gene, which includes the initiator codon. This deletion extends beyond the assayed region for this gene and therefore may encompass additional genes. It is expected to result in an absent or disrupted protein product. Loss-of-function variants in SLC13A5 are known to be pathogenic (PMID: 24995870, 26384929). This variant has not been reported in the literature in individuals affected with SLC13A5-related conditions. For these reasons, this variant has been classified as Pathogenic.

Literature cited by the submitters: PubMed 24995870; PubMed 26384929.